The following is an entry in ClinVar:

NM_004380.3(CREBBP):c.2641C>T (p.Gln881Ter)

Gene: CREBBP (CREB binding lysine acetyltransferase; minus strand). Cytogenetic location: 16p13.3.
Variant type: single nucleotide variant.
Coding change: c.2641C>T on transcript NM_004380.3 (MANE Select); coding-DNA position 2641, C replaced by T.
Protein change: p.Gln881Ter; replaces glutamine 881 with a stop codon.
Molecular consequence: nonsense.
Genome position (GRCh38, 1-based): chr16:3,770,809, G>A on the plus strand (C>T on the coding strand, the complement: CREBBP is on the minus strand). VCF-style: chr16-3770809-G-A. GRCh37 (hg19) VCF-style: chr16-3820810-G-A.
Other names: c.2527C>T, p.Gln843Ter (NM_001079846.1); short protein forms Q843*, Q881*.
Identifiers: ClinVar variation 2498649 (VCV002498649.28), dbSNP rs2141202384, ClinGen allele CA394551352.

ClinVar aggregate classification (germline): Pathogenic (1 of 4 stars; one submission).

Submission:

CeGaT Center for Human Genetics Tuebingen
Classification: Pathogenic. Last evaluated: 2023-02-01. Review status: criteria provided, single submitter. Criteria: CeGaT Center For Human Genetics Tuebingen Variant Classification Criteria Version 2. Collection method: clinical testing. Allele origin: germline. Affected: yes. Observed: 1 variant allele.
Comment: CREBBP: PVS1, PM2, PS4:Supporting